The following is an entry in ClinVar:

ClinVar aggregate classification (germline): Uncertain significance (1 of 4 stars; one submission).

Submission:

Labcorp Genetics (formerly Invitae), Labcorp
Classification: Uncertain significance. Last evaluated: 2022-02-10. Review status: criteria provided, single submitter. Criteria: Invitae Variant Classification Sherloc (09022015). Collection method: clinical testing. Allele origin: germline.
Comment: Algorithms developed to predict the effect of missense changes on protein structure and function are either unavailable or do not agree on the potential impact of this missense change (SIFT: "Tolerated"; PolyPhen-2: "Not Available"; Align-GVGD: "Class C0"). This variant has not been reported in the literature in individuals affected with PTPN23-related conditions. This variant is not present in population databases (gnomAD no frequency). This sequence change replaces leucine, which is neutral and non-polar, with valine, which is neutral and non-polar, at codon 580 of the PTPN23 protein (p.Leu580Val). In summary, the available evidence is currently insufficient to determine the role of this variant in disease. Therefore, it has been classified as a Variant of Uncertain Significance.

NM_015466.4(PTPN23):c.1738C>G (p.Leu580Val)

Gene: PTPN23 (protein tyrosine phosphatase non-receptor type 23; plus strand). Cytogenetic location: 3p21.31.
Variant type: single nucleotide variant.
Coding change: c.1738C>G on transcript NM_015466.4 (MANE Select); coding-DNA position 1738, C replaced by G.
Protein change: p.Leu580Val; replaces leucine 580 with valine.
Molecular consequence: missense variant.
Genome position (GRCh38, 1-based): chr3:47,409,258, C>G. VCF-style: chr3-47409258-C-G. GRCh37 (hg19) VCF-style: chr3-47450748-C-G.
Other names: c.1360C>G, p.Leu454Val (NM_001304482.2); short protein forms L454V, L580V.
Identifiers: ClinVar variation 1490612 (VCV001490612.8), dbSNP rs746082375, ClinGen allele CA352554814.